The following is an entry in ClinVar:

NM_001379451.1(BCORL1):c.3355A>G (p.Met1119Val)

Gene: BCORL1 (BCL6 corepressor like 1; plus strand). Cytogenetic location: Xq26.1.
Variant type: single nucleotide variant.
Coding change: c.3355A>G on transcript NM_001379451.1 (MANE Select); coding-DNA position 3355, A replaced by G.
Protein change: p.Met1119Val; replaces methionine 1119 with valine.
Molecular consequence: missense variant.
Genome position (GRCh38, 1-based): chrX:130,016,127, A>G. VCF-style: chrX-130016127-A-G. GRCh37 (hg19) VCF-style: chrX-129150103-A-G.
Other names: c.3355A>G, p.Met1119Val (NM_001184772.3, NM_001379450.1, NM_001441326.1 and 7 more transcripts); short protein forms M1119V.
Identifiers: ClinVar variation 5008069 (VCV005008069.1).

ClinVar aggregate classification (germline): Uncertain significance (1 of 4 stars; one submission).

Submission:

GeneDx
Classification: Uncertain significance. Last evaluated: 2026-02-17. Review status: criteria provided, single submitter. Criteria: GeneDx Variant Classification Process June 2021. Collection method: clinical testing. Allele origin: germline.
Comment: Not observed at significant frequency in large population cohorts (gnomAD); In silico analysis suggests that this missense variant does not alter protein structure/function; Has not been previously published as pathogenic or benign to our knowledge